The following is an entry in ClinVar:

NM_020436.5(SALL4):c.440C>T (p.Pro147Leu)

Gene: SALL4 (spalt like transcription factor 4; minus strand). Cytogenetic location: 20q13.2.
Variant type: single nucleotide variant.
Coding change: c.440C>T on transcript NM_020436.5 (MANE Select); coding-DNA position 440, C replaced by T.
Protein change: p.Pro147Leu; replaces proline 147 with leucine.
Molecular consequence: missense variant.
Genome position (GRCh38, 1-based): chr20:51,792,043, G>A on the plus strand (C>T on the coding strand, the complement: SALL4 is on the minus strand). VCF-style: chr20-51792043-G-A. GRCh37 (hg19) VCF-style: chr20-50408582-G-A.
Other names: c.440C>T, p.Pro147Leu (NM_001318031.2); short protein forms P147L.
Identifiers: ClinVar variation 4873749 (VCV004873749.3).

ClinVar aggregate classification (germline): Likely benign. Review status: criteria provided, multiple submitters, no conflicts (2 of 4 stars). 2 submissions from 2 submitters: Likely benign (2). Last evaluated 2026-06-01.

gnomAD v4.1: 36 of 1,614,056 alleles (0.0022%); highest among the groups gnomAD compares: South Asian, 0.021%; no homozygotes.

Submissions (2):

CeGaT Center for Human Genetics Tuebingen
Classification: Likely benign. Last evaluated: 2026-06-01. Review status: criteria provided, single submitter. Criteria: CeGaT Center For Human Genetics Tuebingen Variant Classification Criteria Version 2. Collection method: clinical testing. Allele origin: germline. Affected: yes. Observed: 1 variant allele.
Comment: SALL4: BP4

Blueprint Genetics
Classification: Likely benign. Last evaluated: 2023-05-24. Review status: criteria provided, single submitter. Criteria: ACMG Guidelines, 2015. Collection method: clinical testing. Allele origin: germline.